The following is an entry in ClinVar:

ClinVar aggregate classification (germline): Uncertain significance (1 of 4 stars; one submission).

Conditions:
Marfan syndrome (MFS). Also called: MARFAN SYNDROME, TYPE I; Marfan syndrome type 1; Marfan's syndrome; Marfan syndrome, classic; FBN1-Related Marfan Syndrome. Identifiers: Orphanet 284963, Orphanet 558, MedGen C0024796, MONDO:0007947, OMIM 154700.

Submission:

All of Us Research Program, National Institutes of Health
Classification: Uncertain significance for Marfan syndrome. Last evaluated: 2023-08-15. Review status: criteria provided, single submitter. Criteria: ACMG Guidelines, 2015. Collection method: clinical testing. Allele origin: germline. Inheritance: Autosomal dominant inheritance. Observed: 1 variant allele, 1 heterozygote.
Comment: This study involves interpretation of variants in research participants for the purpose of population health screening. Participant phenotype was not available at the time of variant classification. Additional details can be found in publication PMID: 35346344, PMCID: PMC8962531

NM_000138.5(FBN1):c.1752T>A (p.Asn584Lys)

Gene: FBN1 (fibrillin 1; minus strand). Cytogenetic location: 15q21.1.
Variant type: single nucleotide variant.
Coding change: c.1752T>A on transcript NM_000138.5 (MANE Select); coding-DNA position 1752, T replaced by A.
Protein change: p.Asn584Lys; replaces asparagine 584 with lysine.
Molecular consequence: missense variant.
Genome position (GRCh38, 1-based): chr15:48,508,667, A>T on the plus strand (T>A on the coding strand, the complement: FBN1 is on the minus strand). VCF-style: chr15-48508667-A-T. GRCh37 (hg19) VCF-style: chr15-48800864-A-T.
Other names: c.1752T>A, p.Asn584Lys (NM_001406716.1); short protein forms N584K.
Identifiers: ClinVar variation 3072642 (VCV003072642.1), dbSNP rs2505602640, ClinGen allele CA392340514.